The following is an entry in ClinVar:

NM_000384.3(APOB):c.5618C>T (p.Ala1873Val)

Gene: APOB (apolipoprotein B; minus strand). Cytogenetic location: 2p24.1.
Variant type: single nucleotide variant.
Coding change: c.5618C>T on transcript NM_000384.3 (MANE Select); coding-DNA position 5618, C replaced by T.
Protein change: p.Ala1873Val; replaces alanine 1873 with valine.
Molecular consequence: missense variant.
Genome position (GRCh38, 1-based): chr2:21,011,250, G>A on the plus strand (C>T on the coding strand, the complement: APOB is on the minus strand). VCF-style: chr2-21011250-G-A. GRCh37 (hg19) VCF-style: chr2-21234122-G-A.
Other names: short protein forms A1873V.
Identifiers: ClinVar variation 944545 (VCV000944545.9), dbSNP rs1317479889, ClinGen allele CA346004337.
Genomic context (GRCh38, chr2:21,011,250, plus strand): 5'-CTGAAATGCAGTGAGTCTGAATTATAGTTTGTGCTCATGTCAATGGCTGAAGCCAGCCCA[G>A]CGATGTCTGTGTTGAGCCGATGGCTAAACTCCACACCCTGAACCTTAGCAACAGTGTCTG-3'
Protein context (NP_000375.3, residues 1863-1883): EFSHRLNTDI[Ala1873Val]GLASAIDMST

ClinVar aggregate classification (germline): Uncertain significance (1 of 4 stars; one submission).

Conditions:
Familial hypobetalipoproteinemia 1. Also called: Hypobetalipoproteinemia, normotriglyceridemic; Acanthocytosis with hypobetalipoproteinemia; APOB-Related Familial Hypobetalipoproteinemia. Identifiers: MedGen C4551990, MONDO:0014252, OMIM 615558.
Hypercholesterolemia, autosomal dominant, type B (FHCL2). Also called: Familial Hypercholesterolemia Type B; HYPERCHOLESTEROLEMIA, FAMILIAL, DUE TO LIGAND-DEFECTIVE APOLIPOPROTEIN B; Familial hypercholesterolemia 2; APOB-Related Familial Hypercholesterolemia, Autosomal Dominant; APOLIPOPROTEIN B-100, FAMILIAL DEFECTIVE; APOLIPOPROTEIN B-100, FAMILIAL LIGAND-DEFECTIVE. Identifiers: MedGen C1704417, MONDO:0007751, OMIM 144010.

Allele frequency attached by ClinVar (database versions not stated): gnomAD 0.00001; TOPMed 0.00001.
gnomAD v4.1: 1 of 1,614,114 alleles (0.000062%); highest among the groups gnomAD compares: African/African-American, 0.0013%; no homozygotes.

Submission:

Labcorp Genetics (formerly Invitae), Labcorp
Classification: Uncertain significance for Familial hypobetalipoproteinemia 1; Hypercholesterolemia, autosomal dominant, type B. Last evaluated: 2021-09-01. Review status: criteria provided, single submitter. Criteria: Invitae Variant Classification Sherloc (09022015). Collection method: clinical testing. Allele origin: germline.
Comment: This sequence change replaces alanine with valine at codon 1873 of the APOB protein (p.Ala1873Val). The alanine residue is moderately conserved and there is a small physicochemical difference between alanine and valine. This variant is not present in population databases (ExAC no frequency). This variant has not been reported in the literature in individuals affected with APOB-related conditions. Algorithms developed to predict the effect of missense changes on protein structure and function (SIFT, PolyPhen-2, Align-GVGD) all suggest that this variant is likely to be tolerated. In summary, the available evidence is currently insufficient to determine the role of this variant in disease. Therefore, it has been classified as a Variant of Uncertain Significance.